The following is an entry in ClinVar:

NM_000492.4(CFTR):c.698T>A (p.Leu233His)

Gene: CFTR (CF transmembrane conductance regulator; plus strand). Cytogenetic location: 7q31.2.
Variant type: single nucleotide variant.
Coding change: c.698T>A on transcript NM_000492.4 (MANE Select); coding-DNA position 698, T replaced by A.
Protein change: p.Leu233His; replaces leucine 233 with histidine.
Molecular consequence: missense variant.
Genome position (GRCh38, 1-based): chr7:117,535,366, T>A. VCF-style: chr7-117535366-T-A. GRCh37 (hg19) VCF-style: chr7-117175420-T-A.
Other names: short protein forms L233H.
Identifiers: ClinVar variation 3231930 (VCV003231930.1), dbSNP rs2485017374, ClinGen allele CA368977087.

ClinVar aggregate classification (germline): Uncertain significance (1 of 4 stars; one submission).

Conditions:
Cystic fibrosis (CF). Also called: MUCOVISCIDOSIS. Identifiers: Orphanet 586, MedGen C0010674, MONDO:0009061, OMIM 219700. Disease mechanism: loss of function.

Submission:

Ambry Genetics
Classification: Uncertain significance for Cystic fibrosis. Last evaluated: 2024-01-17. Review status: criteria provided, single submitter. Criteria: Ambry Variant Classification Scheme 2023. Collection method: clinical testing. Allele origin: germline.
Comment: The p.L233H variant (also known as c.698T>A), located in coding exon 6 of the CFTR gene, results from a T to A substitution at nucleotide position 698. The leucine at codon 233 is replaced by histidine, an amino acid with similar properties. This amino acid position is conserved. In addition, this alteration is predicted to be deleterious by in silico analysis. Based on the available evidence, the clinical significance of this alteration remains unclear.